The following is an entry in ClinVar:

NM_001375524.1(TRRAP):c.4954-10T>C

Genes: TRRAP (transformation/transcription domain associated protein; plus strand), LOC126860121 (MED14-independent group 3 enhancer GRCh37_chr7:98547245-98548444; plus strand). Cytogenetic location: 7q22.1.
Variant type: single nucleotide variant.
Coding change: c.4954-10T>C on transcript NM_001375524.1 (MANE Select); 10 bases into the intron before coding-DNA position 4954, T replaced by C.
Molecular consequence: intron variant.
Genome position (GRCh38, 1-based): chr7:98,949,650, T>C. VCF-style: chr7-98949650-T-C. GRCh37 (hg19) VCF-style: chr7-98547273-T-C.
Other names: c.4879-10T>C (NM_003496.3, NM_003496.4); c.4933-10T>C (NM_001244580.2).
Identifiers: ClinVar variation 2902007 (VCV002902007.5), dbSNP rs201838882, ClinGen allele CA4360444.
Genomic context (GRCh38, chr7:98,949,650, plus strand): 5'-CCTTCCTCCAGCCCCCAATGCCCAGGGGTTTAATCGAGACACGGTTCCCTAATTATCTCT[T>C]CTTTGACAGATCATAAGCATTATAGTGAAAAACGATGACTCCTGGCTGGCCAGCCAGCAC-3'

ClinVar aggregate classification (germline): Likely benign. Review status: criteria provided, single submitter (1 of 4 stars). 2 submissions from 2 submitters: Likely benign (1). 1 of the submissions does not count toward it. Last evaluated 2024-10-14.

Conditions:
TRRAP-related disorder. Also called: TRRAP-related condition.

Allele frequency attached by ClinVar (database versions not stated): gnomAD exomes 0.00001; gnomAD 0.00004; ExAC 0.00005; TOPMed 0.00007; ESP Exome Variant Server 0.00023; 1000 Genomes Project 0.00040; 1000 Genomes Project 30x 0.00047.
gnomAD v4.1: 17 of 1,610,068 alleles (0.0011%); highest among the groups gnomAD compares: Middle Eastern, 0.017%; no homozygotes.

Submissions (2):

Labcorp Genetics (formerly Invitae), Labcorp
Classification: Likely benign. Last evaluated: 2024-10-14. Review status: criteria provided, single submitter. Criteria: Invitae Variant Classification Sherloc (09022015). Collection method: clinical testing. Allele origin: germline.

PreventionGenetics, part of Exact Sciences
Classification: Likely benign for TRRAP-related condition. Last evaluated: 2020-04-29. Review status: no assertion criteria provided. Collection method: clinical testing. Allele origin: germline. Not counted in ClinVar's aggregate classification.
Comment: This variant is classified as likely benign based on ACMG/AMP sequence variant interpretation guidelines (Richards et al. 2015 PMID: 25741868, with internal and published modifications).